The following is an entry in ClinVar:

ClinVar aggregate classification (germline): Pathogenic/Likely pathogenic. Review status: criteria provided, multiple submitters, no conflicts (2 of 4 stars). 2 submissions from 2 submitters: Pathogenic (1); Likely pathogenic (1). Last evaluated 2024-03-02.

Conditions:
Microvascular complications of diabetes, susceptibility to, 3. Identifiers: MedGen C2675470, MONDO:0012963, OMIM 612624.
Hemorrhage, intracerebral, susceptibility to (ICH). Also called: Stroke, hemorrhagic, susceptibility to. Identifiers: MedGen C3281105, MONDO:0100533, OMIM 614519.
Renal tubular dysgenesis of genetic origin. Also called: PRIMITIVE RENAL TUBULE SYNDROME. Identifiers: Orphanet 97369, MedGen C5681536, MONDO:0009970, OMIM 267430.

gnomAD v4.1: 1 of 1,369,266 alleles (0.000073%); highest among the groups gnomAD compares: Non-Finnish European, 0.000095%; no homozygotes.

Submissions (2):

Fulgent Genetics
Classification: Likely pathogenic for Renal tubular dysgenesis of genetic origin; Microvascular complications of diabetes, susceptibility to, 3; Hemorrhage, intracerebral, susceptibility to. Last evaluated: 2024-03-02. Review status: criteria provided, single submitter. Criteria: ACMG Guidelines, 2015. Collection method: clinical testing. Allele origin: germline.

Labcorp Genetics (formerly Invitae), Labcorp
Classification: Pathogenic. Last evaluated: 2022-07-23. Review status: criteria provided, single submitter. Criteria: Invitae Variant Classification Sherloc (09022015). Collection method: clinical testing. Allele origin: germline.
Comment: This sequence change creates a premature translational stop signal (p.Glu78*) in the ACE gene. It is expected to result in an absent or disrupted protein product. Loss-of-function variants in ACE are known to be pathogenic (PMID: 22095942). This variant is not present in population databases (gnomAD no frequency). This variant has not been reported in the literature in individuals affected with ACE-related conditions. Algorithms developed to predict the effect of sequence changes on RNA splicing suggest that this variant may create or strengthen a splice site. For these reasons, this variant has been classified as Pathogenic.

Literature cited by the submitters: PubMed 22095942 (cited by Labcorp Genetics (formerly Invitae), Labcorp).

NM_000789.4(ACE):c.232G>T (p.Glu78Ter)

Genes: ACE (angiotensin I converting enzyme; plus strand), LOC130061383 (ATAC-STARR-seq lymphoblastoid silent region 8817; plus strand). Cytogenetic location: 17q23.3.
Variant type: single nucleotide variant.
Coding change: c.232G>T on transcript NM_000789.4 (MANE Select); coding-DNA position 232, G replaced by T.
Protein change: p.Glu78Ter; replaces glutamic acid 78 with a stop codon.
Molecular consequence: nonsense. On other transcripts: 5 prime UTR variant (2).
Genome position (GRCh38, 1-based): chr17:63,477,326, G>T. VCF-style: chr17-63477326-G-T. GRCh37 (hg19) VCF-style: chr17-61554687-G-T.
Other names: c.-4G>T (NM_001382700.1); c.-383G>T (NM_001382701.1); short protein forms E78*.
Identifiers: ClinVar variation 1940593 (VCV001940593.3), dbSNP rs778615098, ClinGen allele CA400539153.